The following is an entry in ClinVar:

ClinVar aggregate classification (germline): Uncertain significance. Review status: criteria provided, multiple submitters, no conflicts (2 of 4 stars). 2 submissions from 2 submitters: Uncertain significance (2). Last evaluated 2021-06-14.

Conditions:
Hereditary cancer-predisposing syndrome. Also called: Tumor predisposition; Neoplastic Syndromes, Hereditary; Hereditary Cancer Syndrome; Hereditary neoplastic syndrome. Identifiers: Orphanet 140162, MedGen C0027672, MeSH D009386, MONDO:0015356.
Ataxia-telangiectasia syndrome (AT). Also called: ATAXIA-TELANGIECTASIA, COMPLEMENTATION GROUP A; ATAXIA-TELANGIECTASIA, FRESNO VARIANT; Ataxia-telangiectasia; Ataxia-telangiectasia, complementation group D; AT, COMPLEMENTATION GROUP C; Ataxia-telangiectasia, complementation group E. Identifiers: Orphanet 100, MedGen C0004135, MONDO:0008840, OMIM 208900.

Submissions (2):

Labcorp Genetics (formerly Invitae), Labcorp
Classification: Uncertain significance for Ataxia-telangiectasia syndrome. Last evaluated: 2021-06-14. Review status: criteria provided, single submitter. Criteria: Invitae Variant Classification Sherloc (09022015). Collection method: clinical testing. Allele origin: germline.
Comment: This sequence change replaces tyrosine with histidine at codon 2969 of the ATM protein (p.Tyr2969His). The tyrosine residue is moderately conserved and there is a moderate physicochemical difference between tyrosine and histidine. This variant is not present in population databases (ExAC no frequency). This variant has not been reported in the literature in individuals with ATM-related conditions. ClinVar contains an entry for this variant (Variation ID: 822809). Algorithms developed to predict the effect of missense changes on protein structure and function (SIFT, PolyPhen-2, Align-GVGD) all suggest that this variant is likely to be tolerated, but these predictions have not been confirmed by published functional studies and their clinical significance is uncertain. In summary, the available evidence is currently insufficient to determine the role of this variant in disease. Therefore, it has been classified as a Variant of Uncertain Significance.

Ambry Genetics
Classification: Uncertain significance for Hereditary cancer-predisposing syndrome. Last evaluated: 2019-01-31. Review status: criteria provided, single submitter. Criteria: Ambry Variant Classification Scheme 2023. Collection method: clinical testing. Allele origin: germline.
Comment: The p.Y2969H variant (also known as c.8905T>C), located in coding exon 61 of the ATM gene, results from a T to C substitution at nucleotide position 8905. The tyrosine at codon 2969 is replaced by histidine, an amino acid with similar properties. This amino acid position is well conserved in available vertebrate species. In addition, this alteration is predicted to be tolerated by in silico analysis. Since supporting evidence is limited at this time, the clinical significance of this alteration remains unclear.

NM_000051.4(ATM):c.8905T>C (p.Tyr2969His)

Genes: ATM (ATM serine/threonine kinase; plus strand), C11orf65 (chromosome 11 open reading frame 65; minus strand). Cytogenetic location: 11q22.3.
Variant type: single nucleotide variant.
Coding change: c.8905T>C on transcript NM_000051.4 (MANE Select); coding-DNA position 8905, T replaced by C.
Protein change: p.Tyr2969His; replaces tyrosine 2969 with histidine.
Molecular consequence: missense variant. On other transcripts: intron variant (2).
Genome position (GRCh38, 1-based): chr11:108,365,136, T>C. VCF-style: chr11-108365136-T-C. GRCh37 (hg19) VCF-style: chr11-108235863-T-C.
Other names: c.8905T>C, p.Tyr2969His (NM_001351834.2); c.640+20784A>G (NM_001330368.2); c.694+20784A>G (NM_001351110.2); short protein forms Y2969H.
Identifiers: ClinVar variation 822809 (VCV000822809.13), dbSNP rs1591384712, ClinGen allele CA382529845.
Genomic context (GRCh38, chr11:108,365,136, plus strand): 5'-GTTTAGGTCCTTCTATATGATCCACTCTTTGACTGGACCATGAATCCTTTGAAAGCTTTG[T>C]ATTTACAGCAGAGGCCGGAAGATGAAACTGAGCTTCACCCTACTCTGAATGCAGATGACC-3'
Protein context (NP_000042.3, residues 2959-2979): DWTMNPLKAL[Tyr2969His]LQQRPEDETE